The following is an entry in ClinVar:

ClinVar aggregate classification (germline): Uncertain significance (1 of 4 stars; one submission).

Conditions:
Transcobalamin II deficiency (TCN2D). Also called: Transcolabamin II deficiency; TC II DEFICIENCY; TCN2 DEFICIENCY. Identifiers: Orphanet 859, MedGen C0342701, MONDO:0010149, OMIM 275350.

gnomAD v4.1: 2 of 1,613,776 alleles (0.00012%); highest among the groups gnomAD compares: Middle Eastern, 0.017%; no homozygotes.

Submission:

Labcorp Genetics (formerly Invitae), Labcorp
Classification: Uncertain significance for Transcobalamin II deficiency. Last evaluated: 2022-07-12. Review status: criteria provided, single submitter. Criteria: Invitae Variant Classification Sherloc (09022015). Collection method: clinical testing. Allele origin: germline.
Comment: Variants that disrupt the consensus splice site are a relatively common cause of aberrant splicing (PMID: 17576681, 9536098). Algorithms developed to predict the effect of sequence changes on RNA splicing suggest that this variant is not likely to affect RNA splicing. In summary, the available evidence is currently insufficient to determine the role of this variant in disease. Therefore, it has been classified as a Variant of Uncertain Significance. This sequence change falls in intron 8 of the TCN2 gene. It does not directly change the encoded amino acid sequence of the TCN2 protein. It affects a nucleotide within the consensus splice site. This variant is present in population databases (no rsID available, gnomAD 0.0009%). This variant has not been reported in the literature in individuals affected with TCN2-related conditions.

Literature cited by the submitters: PubMed 17576681; PubMed 9536098.

NM_000355.4(TCN2):c.1222+3G>A

Gene: TCN2 (transcobalamin 2; plus strand). Cytogenetic location: 22q12.2.
Variant type: single nucleotide variant.
Coding change: c.1222+3G>A on transcript NM_000355.4 (MANE Select); 3 bases into the intron after coding-DNA position 1222, G replaced by A.
Molecular consequence: intron variant.
Genome position (GRCh38, 1-based): chr22:30,623,086, G>A. VCF-style: chr22-30623086-G-A. GRCh37 (hg19) VCF-style: chr22-31019073-G-A.
Other names: c.1141+3G>A (NM_001184726.2).
Identifiers: ClinVar variation 1942154 (VCV001942154.5), dbSNP rs1158438419, ClinGen allele CA639021229.